The following is an entry in ClinVar:

NM_003619.4(PRSS12):c.910G>A (p.Val304Ile)

Gene: PRSS12 (serine protease 12; minus strand). Cytogenetic location: 4q26.
Variant type: single nucleotide variant.
Coding change: c.910G>A on transcript NM_003619.4 (MANE Select); coding-DNA position 910, G replaced by A.
Protein change: p.Val304Ile; replaces valine 304 with isoleucine.
Molecular consequence: missense variant.
Genome position (GRCh38, 1-based): chr4:118,331,777, C>T on the plus strand (G>A on the coding strand, the complement: PRSS12 is on the minus strand). VCF-style: chr4-118331777-C-T. GRCh37 (hg19) VCF-style: chr4-119252932-C-T.
Other names: short protein forms V304I.
Identifiers: ClinVar variation 1031345 (VCV001031345.2), dbSNP rs781361976, ClinGen allele CA3055783.
Genomic context (GRCh38, chr4:118,331,777, plus strand): 5'-TGAGGCCCAGCTGCCTGCAGATCACTTCTGCATCGGCATCATCCCATTGGTCATCACAAA[C>T]GGTTCCCCACTGGCCAGCATGGTAGAGCTCCACCCGGCCTTCATGCACACTGCTGCCTCC-3'
Protein context (NP_003610.2, residues 294-314): ELYHAGQWGT[Val304Ile]CDDQWDDADA

ClinVar aggregate classification (germline): Conflicting classifications of pathogenicity. Review status: criteria provided, conflicting classifications (1 of 4 stars). 2 submissions from 2 submitters: Uncertain significance (1); Likely benign (1). Last evaluated 2024-09-30.

Conditions:
Intellectual developmental disorder, autosomal recessive 1. Also called: MENTAL RETARDATION, AUTOSOMAL RECESSIVE 1; Intellectual disability, autosomal recessive 1. Identifiers: Orphanet 88616, MedGen C1855304, MONDO:0009580, OMIM 249500.

Allele frequency attached by ClinVar (database versions not stated): ExAC 0.00002; gnomAD exomes 0.00003 and 0.00001; gnomAD 0.00002 and 0.00003; TOPMed 0.00002.
gnomAD v4.1: 22 of 1,614,058 alleles (0.0014%); highest among the groups gnomAD compares: Admixed American, 0.012%; no homozygotes.

Submissions (2):

Ambry Genetics
Classification: Likely benign. Last evaluated: 2024-09-30. Review status: criteria provided, single submitter. Criteria: Ambry Variant Classification Scheme 2023. Collection method: clinical testing. Allele origin: germline.

Baylor Genetics
Classification: Uncertain significance for Intellectual developmental disorder, autosomal recessive 1. Last evaluated: 2018-09-28. Review status: criteria provided, single submitter. Criteria: ACMG Guidelines, 2015. Collection method: clinical testing. Allele origin: unknown. Affected: yes.
Comment: This variant was determined to be of uncertain significance according to ACMG Guidelines, 2015 [PMID:25741868].